The following is an entry in ClinVar:

NM_016343.4(CENPF):c.2496T>C (p.Val832=)

Gene: CENPF (centromere protein F; plus strand). Cytogenetic location: 1q41.
Variant type: single nucleotide variant.
Coding change: c.2496T>C on transcript NM_016343.4 (MANE Select); coding-DNA position 2496, T replaced by C.
Protein change: p.Val832=; no amino-acid change (valine 832 retained).
Molecular consequence: synonymous variant.
Genome position (GRCh38, 1-based): chr1:214,640,834, T>C. VCF-style: chr1-214640834-T-C. GRCh37 (hg19) VCF-style: chr1-214814177-T-C.
Identifiers: ClinVar variation 3031314 (VCV003031314.3), dbSNP rs770951819, ClinGen allele CA1390264.

ClinVar aggregate classification (germline): Likely benign. Review status: criteria provided, single submitter (1 of 4 stars). 2 submissions from 2 submitters: Likely benign (1). 1 of the submissions does not count toward it. Last evaluated 2022-01-25.

Conditions:
CENPF-related disorder. Also called: CENPF-related condition.

Allele frequency attached by ClinVar (database versions not stated): ExAC 0.00001; gnomAD exomes 0.00001; gnomAD 0.00003; TOPMed 0.00004.
gnomAD v4.1: 18 of 1,601,984 alleles (0.0011%); highest among the groups gnomAD compares: Admixed American, 0.0087%; no homozygotes.

Submissions (2):

Blueprint Genetics
Classification: Likely benign. Last evaluated: 2022-01-25. Review status: criteria provided, single submitter. Criteria: ACMG Guidelines, 2015. Collection method: clinical testing. Allele origin: germline.

PreventionGenetics, part of Exact Sciences
Classification: Likely benign for CENPF-related condition. Last evaluated: 2021-09-24. Review status: no assertion criteria provided. Collection method: clinical testing. Allele origin: germline. Not counted in ClinVar's aggregate classification.
Comment: This variant is classified as likely benign based on ACMG/AMP sequence variant interpretation guidelines (Richards et al. 2015 PMID: 25741868, with internal and published modifications).